The following is an entry in ClinVar:

ClinVar aggregate classification (germline): Pathogenic (1 of 4 stars; one submission).

Conditions:
Ehlers-Danlos syndrome, classic type (cEDS). Identifiers: Orphanet 287, MedGen C4225429, MONDO:0007522.

Submission:

Labcorp Genetics (formerly Invitae), Labcorp
Classification: Pathogenic for Ehlers-Danlos syndrome, type 1. Last evaluated: 2019-01-22. Review status: criteria provided, single submitter. Criteria: Invitae Variant Classification Sherloc (09022015). Collection method: clinical testing. Allele origin: germline.
Comment: This sequence change creates a premature translational stop signal (p.Asp974Argfs*55) in the COL5A2 gene. It is expected to result in an absent or disrupted protein product. This variant is not present in population databases (ExAC no frequency). This variant has not been reported in the literature in individuals with COL5A2-related conditions. Loss-of-function variants in COL5A2 are known to be pathogenic (PMID: 23587214). For these reasons, this variant has been classified as Pathogenic.

NM_000393.5(COL5A2):c.2919dup (p.Asp974fs)

Gene: COL5A2 (collagen type V alpha 2 chain; minus strand). Cytogenetic location: 2q32.2.
Variant type: Duplication.
Coding change: c.2919dup on transcript NM_000393.5 (MANE Select); coding-DNA position 2919, one base duplicated (A; older notation c.2919dupA).
Protein change: p.Asp974fs; shifts the reading frame from aspartic acid 974.
Molecular consequence: frameshift variant.
Genome position (GRCh38, 1-based): chr2:189,051,332, T duplicated on the plus strand (A on the coding strand, the reverse complement: COL5A2 is on the minus strand); the first of 2 consecutive T bases (chr2:189,051,332-189,051,333); duplicating either gives the same sequence. VCF-style (leftmost placement, unchanged base first): chr2-189051331-C-CT. GRCh37 (hg19) VCF-style: chr2-189916057-C-CT.
Other names: short protein forms D974fs.
Identifiers: ClinVar variation 863014 (VCV000863014.3), dbSNP rs1685782021, ClinGen allele CA916082267.